The following is an entry in ClinVar:

ClinVar aggregate classification (germline): Likely benign (0 of 4 stars; one submission).

Conditions:
CEP170B-related disorder. Also called: CEP170B-related condition.

gnomAD v4.1: 3 of 1,543,424 alleles (0.00019%); highest among the groups gnomAD compares: Middle Eastern, 0.038%; no homozygotes.

Submission:

PreventionGenetics, part of Exact Sciences
Classification: Likely benign for CEP170B-related condition. Last evaluated: 2019-09-17. Review status: no assertion criteria provided. Collection method: clinical testing. Allele origin: germline.
Comment: This variant is classified as likely benign based on ACMG/AMP sequence variant interpretation guidelines (Richards et al. 2015 PMID: 25741868, with internal and published modifications).

NM_001112726.3(CEP170B):c.1525C>A (p.Arg509=)

Gene: CEP170B (centrosomal protein 170B; plus strand). Cytogenetic location: 14q32.33.
Variant type: single nucleotide variant.
Coding change: c.1525C>A on transcript NM_001112726.3 (MANE Select); coding-DNA position 1525, C replaced by A.
Protein change: p.Arg509=; no amino-acid change (arginine 509 retained).
Molecular consequence: synonymous variant.
Genome position (GRCh38, 1-based): chr14:104,884,304, C>A. VCF-style: chr14-104884304-C-A. GRCh37 (hg19) VCF-style: chr14-105350641-C-A.
Other names: c.1315C>A, p.Arg439= (NM_015005.3).
Identifiers: ClinVar variation 3354775 (VCV003354775.1).